The following is an entry in ClinVar:

ClinVar aggregate classification (germline): Uncertain significance (1 of 4 stars; one submission).

gnomAD v4.1: 1 of 1,614,064 alleles (0.000062%); no homozygotes.

Submission:

GeneDx
Classification: Uncertain significance. Last evaluated: 2022-08-10. Review status: criteria provided, single submitter. Criteria: GeneDx Variant Classification Process June 2021. Collection method: clinical testing. Allele origin: germline. Affected: yes.
Comment: Not observed at significant frequency in large population cohorts (gnomAD); Missense variant in a gene in which most reported pathogenic variants are truncating/loss of function; Has not been previously published as pathogenic or benign to our knowledge

NM_001267550.2(TTN):c.5263A>G (p.Asn1755Asp)

Gene: TTN (titin; minus strand). Cytogenetic location: 2q31.2.
Variant type: single nucleotide variant.
Coding change: c.5263A>G on transcript NM_001267550.2 (MANE Select); coding-DNA position 5263, A replaced by G.
Protein change: p.Asn1755Asp; replaces asparagine 1755 with aspartic acid.
Molecular consequence: missense variant.
Genome position (GRCh38, 1-based): chr2:178,776,601, T>C on the plus strand (A>G on the coding strand, the complement: TTN is on the minus strand). VCF-style: chr2-178776601-T-C. GRCh37 (hg19) VCF-style: chr2-179641328-T-C.
Other names: c.5263A>G, p.Asn1755Asp (NM_001256850.1, NM_133378.4, NM_133379.5); c.5125A>G, p.Asn1709Asp (NM_003319.4, NM_133432.3, NM_133437.4); short protein forms N1709D, N1755D.
Identifiers: ClinVar variation 2429617 (VCV002429617.1), dbSNP rs559024675, ClinGen allele CA349454284.
Genomic context (GRCh38, chr2:178,776,601, plus strand): 5'-TGATACCACTGTCTCTAGAATATGCAACGCCATAATCAAGGCTGCAGTACCCAAATTCAT[T>C]GATCATACGGAGCCTGTTGGCTGCTTCAAGTGGCTTTCCATCATGGAGCCACTCCACCAC-3'
Protein context (NP_001254479.2, residues 1745-1765): LEAANRLRMI[Asn1755Asp]EFGYCSLDYG